The following is an entry in ClinVar:

NM_198428.3(BBS9):c.2245_2260del (p.Val749fs)

Gene: BBS9 (Bardet-Biedl syndrome 9; plus strand). Cytogenetic location: 7p14.3.
Variant type: Deletion.
Coding change: c.2245_2260del on transcript NM_198428.3 (MANE Select); coding-DNA positions 2245 to 2260, 16 bases deleted (GTTGCTATTCTGGAAG).
Protein change: p.Val749fs; shifts the reading frame from valine 749.
Molecular consequence: frameshift variant. On other transcripts: non-coding transcript variant (3), intron variant (1).
Genome position (GRCh38, 1-based): chr7:33,505,592-33,505,607, GTTGCTATTCTGGAAG deleted; deleting any 16 consecutive bases within chr7:33,505,590-33,505,607 gives the same sequence; the c. name uses the placement nearest the transcript's 3' end. VCF-style (leftmost placement, unchanged base first): chr7-33505589-CAGGTTGCTATTCTGGA-C. GRCh37 (hg19) VCF-style: chr7-33545201-CAGGTTGCTATTCTGGA-C.
Other names: c.2140_2155del, p.Val714fs (NM_001033604.2); c.2230_2245del, p.Val744fs (NM_001033605.2); c.2245_2260del, p.Val749fs (NM_001348036.1, NM_001348041.4, NM_001348043.3 and 1 more transcripts); c.1972_1987del, p.Val658fs (NM_001348038.3); c.1867_1882del, p.Val623fs (NM_001348039.3); c.2125_2140del, p.Val709fs (NM_001348040.3, NM_014451.4); c.2110_2125del, p.Val704fs (NM_001348042.3); c.1774_1789del, p.Val592fs (NM_001348044.3); and 3 more; short protein forms V709fs, V749fs, V592fs, V623fs, V744fs, V627fs, V658fs, V704fs.
Identifiers: ClinVar variation 2711047 (VCV002711047.3), dbSNP rs2537396838, ClinGen allele CA2697557207.

ClinVar aggregate classification (germline): Pathogenic (1 of 4 stars; one submission).

Conditions:
Bardet-Biedl syndrome (BBS). Identifiers: Orphanet 110, MedGen C0752166, MONDO:0015229.

Submission:

Labcorp Genetics (formerly Invitae), Labcorp
Classification: Pathogenic for Bardet-Biedl syndrome. Last evaluated: 2024-01-24. Review status: criteria provided, single submitter. Criteria: Invitae Variant Classification Sherloc (09022015). Collection method: clinical testing. Allele origin: germline.
Comment: This sequence change creates a premature translational stop signal (p.Val749Argfs*27) in the BBS9 gene. It is expected to result in an absent or disrupted protein product. Loss-of-function variants in BBS9 are known to be pathogenic (PMID: 16380913, 20177705). This variant is not present in population databases (gnomAD no frequency). This variant has not been reported in the literature in individuals affected with BBS9-related conditions. For these reasons, this variant has been classified as Pathogenic.

Literature cited by the submitters: PubMed 16380913; PubMed 20177705.